The following is an entry in ClinVar:

NM_001370259.2(MEN1):c.97G>C (p.Asp33His)

Gene: MEN1 (menin 1; minus strand). Cytogenetic location: 11q13.1.
Variant type: single nucleotide variant.
Coding change: c.97G>C on transcript NM_001370259.2 (MANE Select); coding-DNA position 97, G replaced by C.
Protein change: p.Asp33His; replaces aspartic acid 33 with histidine.
Molecular consequence: missense variant. On other transcripts: non-coding transcript variant (4).
Genome position (GRCh38, 1-based): chr11:64,810,013, C>G on the plus strand (G>C on the coding strand, the complement: MEN1 is on the minus strand). VCF-style: chr11-64810013-C-G. GRCh37 (hg19) VCF-style: chr11-64577485-C-G.
Other names: c.97G>C, p.Asp33His (NM_001407147.1, NM_001407148.1, NM_001407149.1 and 20 more transcripts); short protein forms D33H.
Identifiers: ClinVar variation 2696435 (VCV002696435.3), dbSNP rs2136194342, ClinGen allele CA381187987.

ClinVar aggregate classification (germline): Likely pathogenic (1 of 4 stars; one submission).

Conditions:
Multiple endocrine neoplasia, type 1 (MEN1). Also called: MEN I; WERMER SYNDROME; Endocrine adenomatosis multiple; MEN 1; MEA I. Identifiers: Orphanet 652, MedGen C0025267, MeSH D018761, MONDO:0007540, OMIM 131100.

Submission:

Labcorp Genetics (formerly Invitae), Labcorp
Classification: Likely pathogenic for Multiple endocrine neoplasia, type 1. Last evaluated: 2023-11-17. Review status: criteria provided, single submitter. Criteria: Invitae Variant Classification Sherloc (09022015). Collection method: clinical testing. Allele origin: germline.
Comment: This sequence change replaces aspartic acid, which is acidic and polar, with histidine, which is basic and polar, at codon 33 of the MEN1 protein (p.Asp33His). This variant is not present in population databases (gnomAD no frequency). This variant has not been reported in the literature in individuals affected with MEN1-related conditions. Advanced modeling of protein sequence and biophysical properties (such as structural, functional, and spatial information, amino acid conservation, physicochemical variation, residue mobility, and thermodynamic stability) performed at Invitae indicates that this missense variant is expected to disrupt MEN1 protein function with a positive predictive value of 95%. This variant disrupts the p.Asp33 amino acid residue in MEN1. Other variant(s) that disrupt this residue have been determined to be pathogenic (Invitae). This suggests that this residue is clinically significant, and that variants that disrupt this residue are likely to be disease-causing. In summary, the currently available evidence indicates that the variant is pathogenic, but additional data are needed to prove that conclusively. Therefore, this variant has been classified as Likely Pathogenic.